The following is an entry in ClinVar:

ClinVar aggregate classification (germline): Pathogenic (1 of 4 stars; one submission).

Submission:

Labcorp Genetics (formerly Invitae), Labcorp
Classification: Pathogenic. Last evaluated: 2023-07-17. Review status: criteria provided, single submitter. Criteria: Invitae Variant Classification Sherloc (09022015). Collection method: clinical testing. Allele origin: germline.
Comment: This sequence change creates a premature translational stop signal (p.Tyr186*) in the SLC38A8 gene. It is expected to result in an absent or disrupted protein product. Loss-of-function variants in SLC38A8 are known to be pathogenic (PMID: 24290379). This variant is not present in population databases (gnomAD no frequency). This premature translational stop signal has been observed in individual(s) with foveal hypoplasia, optic nerve decussation defects and anterior segment dysgenesis (PMID: 32744312). Algorithms developed to predict the effect of sequence changes on RNA splicing suggest that this variant may disrupt the consensus splice site. For these reasons, this variant has been classified as Pathogenic.

Literature cited by the submitters: PubMed 24290379; PubMed 32744312.

NM_001080442.3(SLC38A8):c.558C>G (p.Tyr186Ter)

Gene: SLC38A8 (solute carrier family 38 member 8; minus strand). Cytogenetic location: 16q23.3.
Variant type: single nucleotide variant.
Coding change: c.558C>G on transcript NM_001080442.3 (MANE Select); coding-DNA position 558, C replaced by G.
Protein change: p.Tyr186Ter; replaces tyrosine 186 with a stop codon.
Molecular consequence: nonsense.
Genome position (GRCh38, 1-based): chr16:84,031,941, G>C on the plus strand (C>G on the coding strand, the complement: SLC38A8 is on the minus strand). VCF-style: chr16-84031941-G-C. GRCh37 (hg19) VCF-style: chr16-84065546-G-C.
Other names: short protein forms Y186*.
Identifiers: ClinVar variation 2740171 (VCV002740171.3), dbSNP rs1251780383, ClinGen allele CA396938766.